The following is an entry in ClinVar:

NM_025219.3(DNAJC5):c.187G>A (p.Ala63Thr)

Gene: DNAJC5 (DnaJ heat shock protein family (Hsp40) member C5; plus strand). Cytogenetic location: 20q13.33.
Variant type: single nucleotide variant.
Coding change: c.187G>A on transcript NM_025219.3 (MANE Select); coding-DNA position 187, G replaced by A.
Protein change: p.Ala63Thr; replaces alanine 63 with threonine.
Molecular consequence: missense variant.
Genome position (GRCh38, 1-based): chr20:63,929,391, G>A. VCF-style: chr20-63929391-G-A. GRCh37 (hg19) VCF-style: chr20-62560744-G-A.
Other names: p.A63T:GCG>ACG; short protein forms A63T.
Identifiers: ClinVar variation 205373 (VCV000205373.6), dbSNP rs796052411, ClinGen allele CA314385.

ClinVar aggregate classification (germline): Uncertain significance. Review status: criteria provided, multiple submitters, no conflicts (2 of 4 stars). 2 submissions from 2 submitters: Uncertain significance (2). Last evaluated 2022-03-11.

Conditions:
Neuronal ceroid lipofuscinosis. Also called: Neuronal Ceroid Lipofuscinoses. Identifiers: Orphanet 216, Orphanet 79263, MedGen C0027877, MONDO:0016295. Disease mechanism: loss of function.

Allele frequency attached by ClinVar (database versions not stated): gnomAD exomes below 0.00001; gnomAD 0.00001; TOPMed 0.00001.
gnomAD v4.1: 6 of 1,614,028 alleles (0.00037%); highest among the groups gnomAD compares: East Asian, 0.0022%; no homozygotes.

Submissions (2):

Labcorp Genetics (formerly Invitae), Labcorp
Classification: Uncertain significance for Neuronal ceroid lipofuscinosis. Last evaluated: 2022-03-11. Review status: criteria provided, single submitter. Criteria: Invitae Variant Classification Sherloc (09022015). Collection method: clinical testing. Allele origin: germline.
Comment: In summary, the available evidence is currently insufficient to determine the role of this variant in disease. Therefore, it has been classified as a Variant of Uncertain Significance. Algorithms developed to predict the effect of missense changes on protein structure and function are either unavailable or do not agree on the potential impact of this missense change (SIFT: "Deleterious"; PolyPhen-2: "Possibly Damaging"; Align-GVGD: "Class C0"). ClinVar contains an entry for this variant (Variation ID: 205373). This variant has not been reported in the literature in individuals affected with DNAJC5-related conditions. This variant is present in population databases (rs796052411, gnomAD 0.004%). This sequence change replaces alanine, which is neutral and non-polar, with threonine, which is neutral and polar, at codon 63 of the DNAJC5 protein (p.Ala63Thr).

GeneDx
Classification: Uncertain significance. Last evaluated: 2018-11-02. Review status: criteria provided, single submitter. Criteria: GeneDx Variant Classification (06012015). Collection method: clinical testing. Allele origin: germline. Affected: yes.
Comment: p.Ala63Thr (GCG>ACG): c.187 G>A in exon 3 of the DNAJC5 gene (NM_025219.2). The A63T variant has not been published as a mutation, nor has it been reported as a benign polymorphism to our knowledge. It was not observed in approximately 6,500 individuals of European and African American ancestry in the NHLBI Exome Sequencing Project, indicating it is not a common benign variant in these populations. The A63T variant is a non-conservative amino acid substitution, which is likely to impact secondary protein structure as these residues differ in polarity, charge, size and/or other properties. This substitution occurs at a position that is highly conserved across species. In silico analysis predicts this variant is probably damaging to the protein structure/function. However, missense mutations in nearby residues have not been reported. Therefore, based on the currently available information, it is unclear whether this variant is a pathogenic mutation or a rare benign variant. The variant is found in EPILEPSY panel(s).